The following is an entry in ClinVar:

ClinVar aggregate classification (germline): Pathogenic. Review status: criteria provided, multiple submitters, no conflicts (2 of 4 stars). 2 submissions from 2 submitters: Pathogenic (2). Last evaluated 2025-08-19.

Conditions:
Hereditary cancer-predisposing syndrome. Also called: Neoplastic Syndromes, Hereditary; Hereditary neoplastic syndrome; Tumor predisposition; Hereditary Cancer Syndrome. Identifiers: Orphanet 140162, MedGen C0027672, MeSH D009386, MONDO:0015356.

Submissions (2):

Ambry Genetics
Classification: Pathogenic for Hereditary cancer-predisposing syndrome. Last evaluated: 2025-08-19. Review status: criteria provided, single submitter. Criteria: Ambry Variant Classification Scheme 2023. Collection method: clinical testing. Allele origin: germline.
Comment: The p.Y93* pathogenic mutation (also known as c.279C>G), located in coding exon 2 of the PTCH1 gene, results from a C to G substitution at nucleotide position 279. This changes the amino acid from a tyrosine to a stop codon within coding exon 2. This variant was reported in individual(s) with features consistent with PTCH1-related nevoid basal cell carcinoma syndrome (Reinders MG et al. Mol Genet Genomic Med, 2018 May;6:409-415; Cosgun B et al. J Am Acad Dermatol, 2020 Aug;83:604-607; Ambry internal data). This variant is considered to be rare based on population cohorts in the Genome Aggregation Database (gnomAD). This alteration is expected to result in loss of function by premature protein truncation or nonsense-mediated mRNA decay. As such, this alteration is interpreted as a disease-causing mutation.

Quest Diagnostics Nichols Institute San Juan Capistrano
Classification: Pathogenic. Last evaluated: 2023-03-20. Review status: criteria provided, single submitter. Criteria: Quest Diagnostics criteria. Collection method: clinical testing. Allele origin: unknown.
Comment: This nonsense variant is predicted to cause the premature termination of PTCH1 protein synthesis. The variant has not been reported in individuals with PTCH1-related diseases in the published literature. It also has not been reported in large, multi-ethnic general populations. However, a different variant that results in the same amino acid change (PTCH1 c.279C>A (p.Tyr93*)) has been observed in an individual with Gorlin Syndrome (PMID: 11457640 (2001)). Based on the available information, this variant (c.279C>G (p.Tyr93*)) is classified as pathogenic.

Literature cited by the submitters: PubMed 29575684 (cited by Ambry Genetics); PubMed 31374299 (cited by Ambry Genetics).

NM_000264.5(PTCH1):c.279C>G (p.Tyr93Ter)

Gene: PTCH1 (patched 1; minus strand). Cytogenetic location: 9q22.32.
Variant type: single nucleotide variant.
Coding change: c.279C>G on transcript NM_000264.5 (MANE Select); coding-DNA position 279, C replaced by G.
Protein change: p.Tyr93Ter; replaces tyrosine 93 with a stop codon.
Molecular consequence: nonsense. On other transcripts: 5 prime UTR variant (4), non-coding transcript variant (1).
Genome position (GRCh38, 1-based): chr9:95,506,522, G>C on the plus strand (C>G on the coding strand, the complement: PTCH1 is on the minus strand). VCF-style: chr9-95506522-G-C. GRCh37 (hg19) VCF-style: chr9-98268804-G-C.
Other names: c.81C>G, p.Tyr27Ter (NM_001083602.3, NM_001354919.2); c.276C>G, p.Tyr92Ter (NM_001083603.3); c.-175C>G (NM_001083604.3, NM_001083605.3, NM_001083606.3 and 1 more transcripts); c.279C>G, p.Tyr93Ter (NM_001354918.2); short protein forms Y27*, Y92*, Y93*.
Identifiers: ClinVar variation 2682061 (VCV002682061.2), dbSNP rs142340833, ClinGen allele CA374120378.